The following is an entry in ClinVar:

ClinVar aggregate classification (germline): Benign. Review status: criteria provided, multiple submitters, no conflicts (2 of 4 stars). 3 submissions from 3 submitters: Benign (2). 1 of the submissions does not count toward it. Last evaluated 2026-01-27.

Conditions:
NR3C1-related disorder. Also called: NR3C1-related condition.
Glucocorticoid resistance. Also called: Glucocorticoid resistance, generalized; Gccr deficiency; Glucocorticoid receptor deficiency; Cortisol resistance from glucocorticoid receptor defect; Gcr deficiency. Identifiers: Orphanet 786, MedGen C1841972, MONDO:0014421, OMIM 615962.

Allele frequency attached by ClinVar (database versions not stated): gnomAD exomes 0.00647 and 0.01664; ExAC 0.01767; gnomAD 0.03614 and 0.03733; TOPMed 0.03775; ESP Exome Variant Server 0.03783; 1000 Genomes Project 30x 0.05450; 1000 Genomes Project 0.05471.
gnomAD v4.1: 15,234 of 1,612,806 alleles (0.94%); highest among the groups gnomAD compares: African/African-American, 11%; 591 homozygotes.

Submissions (3):

Labcorp Genetics (formerly Invitae), Labcorp
Classification: Benign. Last evaluated: 2026-01-27. Review status: criteria provided, single submitter. Criteria: Invitae Variant Classification Sherloc (09022015). Collection method: clinical testing. Allele origin: germline.

Illumina Laboratory Services, Illumina
Classification: Benign for Glucocorticoid resistance. Last evaluated: 2018-01-13. Review status: criteria provided, single submitter. Criteria: ICSL Variant Classification Criteria 13 December 2019. Collection method: clinical testing. Allele origin: germline.
Comment: This variant was observed in the ICSL laboratory as part of a predisposition screen in an ostensibly healthy population. It had not been previously curated by ICSL or reported in the Human Gene Mutation Database (HGMD: prior to June 1st, 2018), and was therefore a candidate for classification through an automated scoring system. Utilizing variant allele frequency, disease prevalence and penetrance estimates, and inheritance mode, an automated score was calculated to assess if this variant is too frequent to cause the disease. Based on the score and internal cut-off values, a variant classified as benign is not then subjected to further curation. The score for this variant resulted in a classification of benign for this disease.

PreventionGenetics, part of Exact Sciences
Classification: Benign for NR3C1-related condition. Last evaluated: 2019-07-09. Review status: no assertion criteria provided. Collection method: clinical testing. Allele origin: germline. Not counted in ClinVar's aggregate classification.
Comment: This variant is classified as benign based on ACMG/AMP sequence variant interpretation guidelines (Richards et al. 2015 PMID: 25741868, with internal and published modifications).

NM_000176.3(NR3C1):c.2034C>T (p.Asp678=)

Gene: NR3C1 (nuclear receptor subfamily 3 group C member 1; minus strand). Cytogenetic location: 5q31.3.
Variant type: single nucleotide variant.
Coding change: c.2034C>T on transcript NM_000176.3 (MANE Select); coding-DNA position 2034, C replaced by T.
Protein change: p.Asp678=; no amino-acid change (aspartic acid 678 retained).
Molecular consequence: synonymous variant. On other transcripts: non-coding transcript variant (1).
Genome position (GRCh38, 1-based): chr5:143,282,715, G>A on the plus strand (C>T on the coding strand, the complement: NR3C1 is on the minus strand). VCF-style: chr5-143282715-G-A. GRCh37 (hg19) VCF-style: chr5-142662280-G-A.
Other names: c.2034C>T, p.Asp678= (NM_001018074.1, NM_001018075.1, NM_001018076.2 and 5 more transcripts); c.2037C>T, p.Asp679= (NM_001024094.2, NM_001364183.2, NM_001364184.2 and 1 more transcripts); c.1956C>T, p.Asp652= (NM_001204258.2); c.1779C>T, p.Asp593= (NM_001204259.2); c.1767C>T, p.Asp589= (NM_001204260.2); c.1743C>T, p.Asp581= (NM_001204261.2); c.1089C>T, p.Asp363= (NM_001204262.2); c.1044C>T, p.Asp348= (NM_001204263.2); and 1 more.
Identifiers: ClinVar variation 351367 (VCV000351367.14), dbSNP rs258751, ClinGen allele CA3486724.